The following is an entry in ClinVar:

ClinVar aggregate classification (germline): Uncertain significance (1 of 4 stars; one submission).

Conditions:
Aortic aneurysm, familial thoracic 4 (AAT4). Also called: AORTIC ANEURYSM/AORTIC DISSECTION AND PATENT DUCTUS ARTERIOSUS. Identifiers: MedGen C1851504, MONDO:0007568, OMIM 132900.

Submission:

Labcorp Genetics (formerly Invitae), Labcorp
Classification: Uncertain significance for Aortic aneurysm, familial thoracic 4. Last evaluated: 2024-12-04. Review status: criteria provided, single submitter. Criteria: Invitae Variant Classification Sherloc (09022015). Collection method: clinical testing. Allele origin: germline.
Comment: This sequence change falls in intron 29 of the MYH11 gene. It does not directly change the encoded amino acid sequence of the MYH11 protein. It affects a nucleotide within the consensus splice site. This variant is not present in population databases (gnomAD no frequency). This variant has not been reported in the literature in individuals affected with MYH11-related conditions. Variants that disrupt the consensus splice site are a relatively common cause of aberrant splicing (PMID: 17576681, 9536098). Algorithms developed to predict the effect of sequence changes on RNA splicing suggest that this variant may disrupt the consensus splice site. In summary, the available evidence is currently insufficient to determine the role of this variant in disease. Therefore, it has been classified as a Variant of Uncertain Significance.

Literature cited by the submitters: PubMed 17576681; PubMed 9536098.

NM_002474.3(MYH11):c.3859-3T>G

Genes: MYH11 (myosin heavy chain 11; minus strand), NDE1 (nudE neurodevelopment protein 1; plus strand). Cytogenetic location: 16p13.11.
Variant type: single nucleotide variant.
Coding change: c.3859-3T>G on transcript NM_002474.3 (MANE Select); 3 bases into the intron before coding-DNA position 3859, T replaced by G.
Molecular consequence: intron variant. On other transcripts: 3 prime UTR variant (2).
Genome position (GRCh38, 1-based): chr16:15,724,995, A>C on the plus strand (T>G on the coding strand, the complement: MYH11 is on the minus strand). VCF-style: chr16-15724995-A-C. GRCh37 (hg19) VCF-style: chr16-15818852-A-C.
Other names: c.*744A>C (NM_001143979.2, NM_017668.3); c.3859-3T>G (NM_022844.3); c.3880-3T>G (NM_001040114.2, NM_001040113.2).
Identifiers: ClinVar variation 3726639 (VCV003726639.2).